The following is an entry in ClinVar:

NM_177972.3(TUB):c.216G>A (p.Glu72=)

Gene: TUB (TUB bipartite transcription factor; plus strand). Cytogenetic location: 11p15.4.
Variant type: single nucleotide variant.
Coding change: c.216G>A on transcript NM_177972.3 (MANE Select); coding-DNA position 216, G replaced by A.
Protein change: p.Glu72=; no amino-acid change (glutamic acid 72 retained).
Molecular consequence: synonymous variant.
Genome position (GRCh38, 1-based): chr11:8,090,194, G>A. VCF-style: chr11-8090194-G-A. GRCh37 (hg19) VCF-style: chr11-8111741-G-A.
Other names: c.381G>A, p.Glu127= (NM_003320.5); c.381G>A (NM_003320.4).
Identifiers: ClinVar variation 1082691 (VCV001082691.11), dbSNP rs1174418192, ClinGen allele CA473009116.

ClinVar aggregate classification (germline): Likely benign. Review status: criteria provided, multiple submitters, no conflicts (2 of 4 stars). 3 submissions from 3 submitters: Likely benign (2). 1 of the submissions does not count toward it. Last evaluated 2019-12-30.

Conditions:
TUB-related disorder. Also called: TUB-related condition.

Allele frequency attached by ClinVar (database versions not stated): TOPMed below 0.00001; gnomAD exomes 0.00001.

Submissions (3):

Labcorp Genetics (formerly Invitae), Labcorp
Classification: Likely benign. Last evaluated: 2019-12-30. Review status: criteria provided, single submitter. Criteria: Invitae Variant Classification Sherloc (09022015). Collection method: clinical testing. Allele origin: germline.

Blueprint Genetics
Classification: Likely benign. Last evaluated: 2018-05-22. Review status: criteria provided, single submitter. Criteria: ACMG Guidelines, 2015. Collection method: clinical testing. Allele origin: germline.

PreventionGenetics, part of Exact Sciences
Classification: Likely benign for TUB-related condition. Last evaluated: 2024-03-01. Review status: no assertion criteria provided. Collection method: clinical testing. Allele origin: germline. Not counted in ClinVar's aggregate classification.
Comment: This variant is classified as likely benign based on ACMG/AMP sequence variant interpretation guidelines (Richards et al. 2015 PMID: 25741868, with internal and published modifications).